The following is an entry in ClinVar:

NM_014915.3(ANKRD26):c.4835T>C (p.Val1612Ala)

Gene: ANKRD26 (ankyrin repeat domain containing 26; minus strand). Cytogenetic location: 10p12.1.
Variant type: single nucleotide variant.
Coding change: c.4835T>C on transcript NM_014915.3 (MANE Select); coding-DNA position 4835, T replaced by C.
Protein change: p.Val1612Ala; replaces valine 1612 with alanine.
Molecular consequence: missense variant.
Genome position (GRCh38, 1-based): chr10:27,013,000, A>G on the plus strand (T>C on the coding strand, the complement: ANKRD26 is on the minus strand). VCF-style: chr10-27013000-A-G. GRCh37 (hg19) VCF-style: chr10-27301929-A-G.
Other names: c.4832T>C, p.Val1611Ala (NM_001256053.2); short protein forms V1611A, V1612A.
Identifiers: ClinVar variation 3871625 (VCV003871625.1).

ClinVar aggregate classification (germline): Uncertain significance (1 of 4 stars; one submission).

Conditions:
Inborn genetic diseases. Identifiers: MedGen C0950123, MeSH D030342.

Submission:

Ambry Genetics
Classification: Uncertain significance for Inborn genetic diseases. Last evaluated: 2025-02-22. Review status: criteria provided, single submitter. Criteria: Ambry Variant Classification Scheme 2023. Collection method: clinical testing. Allele origin: germline.
Comment: The p.V1612A variant (also known as c.4835T>C), located in coding exon 32 of the ANKRD26 gene, results from a T to C substitution at nucleotide position 4835. The valine at codon 1612 is replaced by alanine, an amino acid with similar properties. This amino acid position is conserved. In addition, this alteration is predicted to be tolerated by in silico analysis. Based on the available evidence, the clinical significance of this variant remains unclear.